The following is an entry in ClinVar:

ClinVar aggregate classification (germline): Uncertain significance (1 of 4 stars; one submission).

gnomAD v4.1: 4 of 1,606,842 alleles (0.00025%); highest among the groups gnomAD compares: African/African-American, 0.004%; no homozygotes.

Submission:

Ambry Genetics
Classification: Uncertain significance. Last evaluated: 2024-12-31. Review status: criteria provided, single submitter. Criteria: Ambry Variant Classification Scheme 2023. Collection method: clinical testing. Allele origin: germline.
Comment: The p.L190P variant (also known as c.569T>C), located in coding exon 1 of the MC1R gene, results from a T to C substitution at nucleotide position 569. The leucine at codon 190 is replaced by proline, an amino acid with similar properties. This amino acid position is conserved. In addition, this alteration is predicted to be tolerated by in silico analysis. Based on the available evidence, the clinical significance of this variant remains unclear.

NM_002386.4(MC1R):c.569T>C (p.Leu190Pro)

Gene: MC1R (melanocortin 1 receptor; plus strand). Cytogenetic location: 16q24.3.
Variant type: single nucleotide variant.
Coding change: c.569T>C on transcript NM_002386.4 (MANE Select); coding-DNA position 569, T replaced by C.
Protein change: p.Leu190Pro; replaces leucine 190 with proline.
Molecular consequence: missense variant.
Genome position (GRCh38, 1-based): chr16:89,919,827, T>C. VCF-style: chr16-89919827-T-C. GRCh37 (hg19) VCF-style: chr16-89986235-T-C.
Other names: short protein forms L190P.
Identifiers: ClinVar variation 3871076 (VCV003871076.1).